The following is an entry in ClinVar:

ClinVar aggregate classification (germline): Likely benign (1 of 4 stars; one submission).

Submission:

GeneDx
Classification: Likely benign. Last evaluated: 2018-06-14. Review status: criteria provided, single submitter. Criteria: GeneDx Variant Classification (06012015). Collection method: clinical testing. Allele origin: germline. Affected: yes.
Comment: This variant is considered likely benign or benign based on one or more of the following criteria: it is a conservative change, it occurs at a poorly conserved position in the protein, it is predicted to be benign by multiple in silico algorithms, and/or has population frequency not consistent with disease.

NM_002474.3(MYH11):c.4791+114_4791+115del

Genes: MYH11 (myosin heavy chain 11; minus strand), NDE1 (nudE neurodevelopment protein 1; plus strand). Cytogenetic location: 16p13.11.
Variant type: Microsatellite.
Coding change: c.4791+114_4791+115del on transcript NM_002474.3 (MANE Select); bases 114 to 115 of the intron after coding-DNA position 4791, 2 bases deleted (AG; older notation c.4791+114_4791+115delAG).
Molecular consequence: intron variant.
Genome position (GRCh38, 1-based): chr16:15,720,724-15,720,725, CT deleted on the plus strand (AG on the coding strand, the reverse complement: MYH11 is on the minus strand); deleting any 2 consecutive bases within chr16:15,720,724-15,720,727 gives the same sequence; the c. name uses the placement nearest the transcript's 3' end. VCF-style (leftmost placement, unchanged base first): chr16-15720723-ACT-A. GRCh37 (hg19) VCF-style: chr16-15814580-ACT-A.
Other names: c.948-3465_948-3464del (NM_001143979.2, NM_017668.3); c.4791+114_4791+115del (NM_022844.3); c.4812+114_4812+115del (NM_001040114.2, NM_001040113.2).
Identifiers: ClinVar variation 675277 (VCV000675277.1), dbSNP rs34491943, ClinGen allele CA278601374.
Genomic context (GRCh38, chr16:15,720,723, plus strand): 5'-GTGGAGGTTGCAGTGAGCTGAGATTACGCCACTGCACTCCAGCCTGGGCGACAGAGCGAG[ACT>A]CTGTTTCAAAAAAAAATAAAGAAAACGAAGTTTCCACACCAACCATGAGAGTGGTGATAG-3'